The following is an entry in ClinVar:

NM_001376.5(DYNC1H1):c.8771+5G>C

Gene: DYNC1H1 (dynein cytoplasmic 1 heavy chain 1; plus strand). Cytogenetic location: 14q32.31.
Variant type: single nucleotide variant.
Coding change: c.8771+5G>C on transcript NM_001376.5 (MANE Select); 5 bases into the intron after coding-DNA position 8771, G replaced by C.
Molecular consequence: intron variant.
Genome position (GRCh38, 1-based): chr14:102,026,712, G>C. VCF-style: chr14-102026712-G-C. GRCh37 (hg19) VCF-style: chr14-102493049-G-C.
Identifiers: ClinVar variation 2150785 (VCV002150785.5), dbSNP rs1476153390, ClinGen allele CA616353948.
Genomic context (GRCh38, chr14:102,026,712, plus strand): 5'-GATGTTCCGCTGGTGCTGTTTAATGAAGTCCTAGACCACGTGCTGAGGATTGACAGGTGG[G>C]CTTTTTTGTTGTTACAGCCCCACCTCTCGCCTAAGCTGCTCTTGAGTAAGTGTGTGTGCC-3'

ClinVar aggregate classification (germline): Uncertain significance. Review status: criteria provided, multiple submitters, no conflicts (2 of 4 stars). 2 submissions from 2 submitters: Uncertain significance (2). Last evaluated 2023-04-13.

Conditions:
Charcot-Marie-Tooth disease axonal type 2O. Also called: CHARCOT-MARIE-TOOTH NEUROPATHY, AXONAL, TYPE 2O; CHARCOT-MARIE-TOOTH DISEASE, AXONAL, AUTOSOMAL DOMINANT, TYPE 2O; Charcot-Marie-Tooth Neuropathy Type 2O; Charcot-Marie-Tooth disease, axonal, type 20. Identifiers: Orphanet 284232, MedGen C3280220, MONDO:0013644, OMIM 614228.

Allele frequency attached by ClinVar (database versions not stated): gnomAD exomes below 0.00001.
gnomAD v4.1: 2 of 1,613,718 alleles (0.00012%); highest among the groups gnomAD compares: Admixed American, 0.0033%; no homozygotes.

Submissions (2):

Labcorp Genetics (formerly Invitae), Labcorp
Classification: Uncertain significance for Charcot-Marie-Tooth disease axonal type 2O. Last evaluated: 2023-04-13. Review status: criteria provided, single submitter. Criteria: Invitae Variant Classification Sherloc (09022015). Collection method: clinical testing. Allele origin: germline.
Comment: In summary, the available evidence is currently insufficient to determine the role of this variant in disease. Therefore, it has been classified as a Variant of Uncertain Significance. Variants that disrupt the consensus splice site are a relatively common cause of aberrant splicing (PMID: 17576681, 9536098). Algorithms developed to predict the effect of sequence changes on RNA splicing suggest that this variant may create or strengthen a splice site. ClinVar contains an entry for this variant (Variation ID: 2150785). This variant has not been reported in the literature in individuals affected with DYNC1H1-related conditions. This variant is present in population databases (no rsID available, gnomAD 0.006%). This sequence change falls in intron 44 of the DYNC1H1 gene. It does not directly change the encoded amino acid sequence of the DYNC1H1 protein. It affects a nucleotide within the consensus splice site.

GeneDx
Classification: Uncertain significance. Last evaluated: 2022-11-03. Review status: criteria provided, single submitter. Criteria: GeneDx Variant Classification Process June 2021. Collection method: clinical testing. Allele origin: germline. Affected: yes.
Comment: Has not been previously published as pathogenic or benign to our knowledge; In silico analysis suggests this variant may impact gene splicing. In the absence of RNA/functional studies, the actual effect of this sequence change is unknown.

Literature cited by the submitters: PubMed 17576681 (cited by Labcorp Genetics (formerly Invitae), Labcorp); PubMed 9536098 (cited by Labcorp Genetics (formerly Invitae), Labcorp).